The following is an entry in ClinVar:

NM_001042492.3(NF1):c.6061G>C (p.Gly2021Arg)

Gene: NF1 (neurofibromin 1; plus strand). Cytogenetic location: 17q11.2.
Variant type: single nucleotide variant.
Coding change: c.6061G>C on transcript NM_001042492.3 (MANE Select); coding-DNA position 6061, G replaced by C.
Protein change: p.Gly2021Arg; replaces glycine 2021 with arginine.
Molecular consequence: missense variant.
Genome position (GRCh38, 1-based): chr17:31,336,387, G>C. VCF-style: chr17-31336387-G-C. GRCh37 (hg19) VCF-style: chr17-29663405-G-C.
Other names: c.5998G>C, p.Gly2000Arg (NM_000267.4); short protein forms G2000R, G2021R.
Identifiers: ClinVar variation 1317327 (VCV001317327.3), dbSNP rs2151553314, ClinGen allele CA399011158.

ClinVar aggregate classification (germline): Uncertain significance. Review status: criteria provided, multiple submitters, no conflicts (2 of 4 stars). 2 submissions from 2 submitters: Uncertain significance (2). Last evaluated 2025-04-16.

Conditions:
Neurofibromatosis, type 1 (NF1). Also called: NEUROFIBROMATOSIS, TYPE I, SOMATIC; Peripheral type neurofibromatosis; Neurofibromatosis, type I; VON RECKLINGHAUSEN DISEASE. Identifiers: Orphanet 636, MedGen C0027831, MONDO:0018975, OMIM 162200. Disease mechanism: loss of function.

Submissions (2):

Labcorp Genetics (formerly Invitae), Labcorp
Classification: Uncertain significance for Neurofibromatosis, type 1. Last evaluated: 2025-04-16. Review status: criteria provided, single submitter. Criteria: Invitae Variant Classification Sherloc (09022015). Collection method: clinical testing. Allele origin: germline.
Comment: This sequence change replaces glycine, which is neutral and non-polar, with arginine, which is basic and polar, at codon 2000 of the NF1 protein (p.Gly2000Arg). This variant is not present in population databases (gnomAD no frequency). This variant has not been reported in the literature in individuals affected with NF1-related conditions. ClinVar contains an entry for this variant (Variation ID: 1317327). Invitae Evidence Modeling of protein sequence and biophysical properties (such as structural, functional, and spatial information, amino acid conservation, physicochemical variation, residue mobility, and thermodynamic stability) indicates that this missense variant is expected to disrupt NF1 protein function with a positive predictive value of 95%. In summary, the available evidence is currently insufficient to determine the role of this variant in disease. Therefore, it has been classified as a Variant of Uncertain Significance.

GeneDx
Classification: Uncertain significance. Last evaluated: 2019-12-05. Review status: criteria provided, single submitter. Criteria: GeneDx Variant Classification Process June 2021. Collection method: clinical testing. Allele origin: germline. Affected: yes.
Comment: Not observed in large population cohorts (Lek 2016); In silico analysis, which includes protein predictors and evolutionary conservation, supports a deleterious effect; Has not been previously published as pathogenic or benign to our knowledge